The following is an entry in ClinVar:

ClinVar aggregate classification (germline): Uncertain significance. Review status: criteria provided, multiple submitters, no conflicts (2 of 4 stars). 2 submissions from 2 submitters: Uncertain significance (2). Last evaluated 2022-01-03.

Conditions:
Bethlem myopathy 1A. Also called: Bethlem myopathy 1; Bethlem Muscular Dystrophy; MYOPATHY, BENIGN CONGENITAL, WITH CONTRACTURES. Identifiers: Orphanet 610, MedGen CN029274, MONDO:0024530, OMIM 158810.

Allele frequency attached by ClinVar (database versions not stated): gnomAD exomes below 0.00001.
gnomAD v4.1: 2 of 1,596,080 alleles (0.00013%); highest among the groups gnomAD compares: Admixed American, 0.0017%; no homozygotes.

Submissions (2):

Revvity Omics, Revvity
Classification: Uncertain significance. Last evaluated: 2022-01-03. Review status: criteria provided, single submitter. Criteria: ACMG Guidelines, 2015. Collection method: clinical testing. Allele origin: germline.

Labcorp Genetics (formerly Invitae), Labcorp
Classification: Uncertain significance for Bethlem myopathy 1A. Last evaluated: 2021-05-30. Review status: criteria provided, single submitter. Criteria: Invitae Variant Classification Sherloc (09022015). Collection method: clinical testing. Allele origin: germline.
Comment: In summary, the available evidence is currently insufficient to determine the role of this variant in disease. Therefore, it has been classified as a Variant of Uncertain Significance. Advanced modeling of protein sequence and biophysical properties (such as structural, functional, and spatial information, amino acid conservation, physicochemical variation, residue mobility, and thermodynamic stability) performed at Invitae indicates that this missense variant is not expected to disrupt COL6A2 protein function. This variant has not been reported in the literature in individuals with COL6A2-related conditions. This variant is not present in population databases (ExAC no frequency). This sequence change replaces arginine with lysine at codon 868 of the COL6A2 protein (p.Arg868Lys). The arginine residue is moderately conserved and there is a small physicochemical difference between arginine and lysine.

NM_001849.4(COL6A2):c.2603G>A (p.Arg868Lys)

Gene: COL6A2 (collagen type VI alpha 2 chain; plus strand). Cytogenetic location: 21q22.3.
Variant type: single nucleotide variant.
Coding change: c.2603G>A on transcript NM_001849.4 (MANE Select); coding-DNA position 2603, G replaced by A.
Protein change: p.Arg868Lys; replaces arginine 868 with lysine.
Molecular consequence: missense variant.
Genome position (GRCh38, 1-based): chr21:46,132,095, G>A. VCF-style: chr21-46132095-G-A. GRCh37 (hg19) VCF-style: chr21-47552009-G-A.
Other names: short protein forms R868K.
Identifiers: ClinVar variation 1397421 (VCV001397421.10), dbSNP rs865872231, ClinGen allele CA321979788.